The following is an entry in ClinVar:

NM_007215.4(POLG2):c.1456T>C (p.Ter486Gln)

Genes: MILR1 (mast cell immunoglobulin like receptor 1; plus strand), POLG2 (DNA polymerase gamma 2, accessory subunit; minus strand). Cytogenetic location: 17q23.3.
Variant type: single nucleotide variant.
Coding change: c.1456T>C on transcript NM_007215.4 (MANE Select); coding-DNA position 1456, T replaced by C.
Protein change: p.Ter486Gln.
Molecular consequence: stop lost.
Genome position (GRCh38, 1-based): chr17:64,477,825, A>G on the plus strand (T>C on the coding strand, the complement: POLG2 is on the minus strand). VCF-style: chr17-64477825-A-G. GRCh37 (hg19) VCF-style: chr17-62473942-A-G.
Identifiers: ClinVar variation 2899569 (VCV002899569.3), dbSNP rs2509512785, ClinGen allele CA400635221.
Genomic context (GRCh38, chr17:64,477,825, plus strand): 5'-GTGAACATAAGACAACCAAATTAGGAGAGAAGAATATTTATTATACAAATATAAAAATCT[A>G]TACATTCTTAGCTGATGATATATACTTAATCAAAAAGTCTTTTAATTTGGATATATGCAT-3'

ClinVar aggregate classification (germline): Uncertain significance (1 of 4 stars; one submission).

Submission:

Labcorp Genetics (formerly Invitae), Labcorp
Classification: Uncertain significance. Last evaluated: 2023-08-10. Review status: criteria provided, single submitter. Criteria: Invitae Variant Classification Sherloc (09022015). Collection method: clinical testing. Allele origin: germline.
Comment: In summary, the available evidence is currently insufficient to determine the role of this variant in disease. Therefore, it has been classified as a Variant of Uncertain Significance. This variant has not been reported in the literature in individuals affected with POLG2-related conditions. This variant is not present in population databases (gnomAD no frequency). This sequence change disrupts the translational stop signal of the POLG2 mRNA. It is expected to extend the length of the POLG2 protein by 6 additional amino acid residues.